The following is an entry in ClinVar:

NM_001199397.3(NEK1):c.1509T>G (p.Ile503Met)

Gene: NEK1 (NIMA related kinase 1; minus strand). Cytogenetic location: 4q33.
Variant type: single nucleotide variant.
Coding change: c.1509T>G on transcript NM_001199397.3 (MANE Select); coding-DNA position 1509, T replaced by G.
Protein change: p.Ile503Met; replaces isoleucine 503 with methionine.
Molecular consequence: missense variant. On other transcripts: non-coding transcript variant (1), intron variant (3).
Genome position (GRCh38, 1-based): chr4:169,555,773, A>C on the plus strand (T>G on the coding strand, the complement: NEK1 is on the minus strand). VCF-style: chr4-169555773-A-C. GRCh37 (hg19) VCF-style: chr4-170476924-A-C.
Other names: c.1509T>G, p.Ile503Met (NM_001374418.1, NM_001374419.1, NM_012224.4); c.1458T>G, p.Ile486Met (NM_001374420.1); c.1383T>G, p.Ile461Met (NM_001374421.1); c.1355+159T>G (NM_001199399.3); c.1430+159T>G (NM_001199398.3, NM_001199400.3); short protein forms I461M, I486M, I503M.
Identifiers: ClinVar variation 1721628 (VCV001721628.5), dbSNP rs2546762392, ClinGen allele CA358733663.

ClinVar aggregate classification (germline): Uncertain significance (1 of 4 stars; one submission).

Conditions:
Short-rib thoracic dysplasia 6 with or without polydactyly (SRTD6). Also called: Majewski Syndrome; SHORT RIB-POLYDACTYLY SYNDROME, TYPE IIA; POLYDACTYLY WITH NEONATAL CHONDRODYSTROPHY, TYPE II; SHORT-RIB THORACIC DYSPLASIA 6 WITH POLYDACTYLY; SHORT-RIB THORACIC DYSPLASIA 6 WITHOUT POLYDACTYLY. Identifiers: MedGen C0024507, MONDO:0009894, OMIM 263520.

Submission:

Labcorp Genetics (formerly Invitae), Labcorp
Classification: Uncertain significance for Short-rib thoracic dysplasia 6 with or without polydactyly. Last evaluated: 2022-07-21. Review status: criteria provided, single submitter. Criteria: Invitae Variant Classification Sherloc (09022015). Collection method: clinical testing. Allele origin: germline.
Comment: Advanced modeling of protein sequence and biophysical properties (such as structural, functional, and spatial information, amino acid conservation, physicochemical variation, residue mobility, and thermodynamic stability) performed at Invitae indicates that this missense variant is not expected to disrupt NEK1 protein function. In summary, the available evidence is currently insufficient to determine the role of this variant in disease. Therefore, it has been classified as a Variant of Uncertain Significance. This sequence change replaces isoleucine, which is neutral and non-polar, with methionine, which is neutral and non-polar, at codon 503 of the NEK1 protein (p.Ile503Met). This variant has not been reported in the literature in individuals affected with NEK1-related conditions. This variant is not present in population databases (gnomAD no frequency).